The following is an entry in ClinVar:

ClinVar aggregate classification (germline): Uncertain significance. Review status: criteria provided, multiple submitters, no conflicts (2 of 4 stars). 2 submissions from 2 submitters: Uncertain significance (2). Last evaluated 2025-08-13.

Conditions:
Combined immunodeficiency due to DOCK8 deficiency (HIES2). Also called: Hyper-IgE recurrent infection syndrome, autosomal recessive; DOCK8 Deficiency; HYPER-IgE RECURRENT INFECTION SYNDROME 2, AUTOSOMAL RECESSIVE; HIES autosomal recessive; HYPER-IgE SYNDROME 2, AUTOSOMAL RECESSIVE, WITH RECURRENT INFECTIONS. Identifiers: Orphanet 217390, MedGen C4722305, MONDO:0009478, OMIM 243700.
Inborn genetic diseases. Identifiers: MedGen C0950123, MeSH D030342.

Allele frequency attached by ClinVar (database versions not stated): gnomAD 0.00001; gnomAD exomes 0.00001 and 0.00003; TOPMed 0.00002.
gnomAD v4.1: 48 of 1,613,836 alleles (0.003%); highest among the groups gnomAD compares: Non-Finnish European, 0.0039%; no homozygotes.

Submissions (2):

Ambry Genetics
Classification: Uncertain significance for Inborn genetic diseases. Last evaluated: 2025-08-13. Review status: criteria provided, single submitter. Criteria: Ambry Variant Classification Scheme 2023. Collection method: clinical testing. Allele origin: germline.

Labcorp Genetics (formerly Invitae), Labcorp
Classification: Uncertain significance for Combined immunodeficiency due to DOCK8 deficiency. Last evaluated: 2022-06-20. Review status: criteria provided, single submitter. Criteria: Invitae Variant Classification Sherloc (09022015). Collection method: clinical testing. Allele origin: germline.
Comment: This sequence change replaces asparagine, which is neutral and polar, with aspartic acid, which is acidic and polar, at codon 596 of the DOCK8 protein (p.Asn596Asp). This variant is present in population databases (no rsID available, gnomAD 0.002%). This variant has not been reported in the literature in individuals affected with DOCK8-related conditions. Algorithms developed to predict the effect of missense changes on protein structure and function output the following: SIFT: "Tolerated"; PolyPhen-2: "Benign"; Align-GVGD: "Class C0". The aspartic acid amino acid residue is found in multiple mammalian species, which suggests that this missense change does not adversely affect protein function. In summary, the available evidence is currently insufficient to determine the role of this variant in disease. Therefore, it has been classified as a Variant of Uncertain Significance.

NM_203447.4(DOCK8):c.1786A>G (p.Asn596Asp)

Gene: DOCK8 (dedicator of cytokinesis 8; plus strand). Cytogenetic location: 9p24.3.
Variant type: single nucleotide variant.
Coding change: c.1786A>G on transcript NM_203447.4 (MANE Select); coding-DNA position 1786, A replaced by G.
Protein change: p.Asn596Asp; replaces asparagine 596 with aspartic acid.
Molecular consequence: missense variant.
Genome position (GRCh38, 1-based): chr9:368,124, A>G. VCF-style: chr9-368124-A-G. GRCh37 (hg19) VCF-style: chr9-368124-A-G.
Other names: c.1786A>G (NM_203447.3); c.1582A>G, p.Asn528Asp (NM_001190458.2, NM_001193536.2); short protein forms N528D, N596D.
Identifiers: ClinVar variation 1419878 (VCV001419878.6), dbSNP rs1422205466, ClinGen allele CA372759687.
Genomic context (GRCh38, chr9:368,124, plus strand): 5'-CTAGCATCAGCCCGGAACATTACAATAAAGATCCAGTTTATGTGTGGAGAAGATGCTAGC[A>G]ATGCGATGCCGGTAAGGAGGGAAACGAACATTTGCCTCAAATCAGGGTGGGCTGCTCACC-3'
Protein context (NP_982272.2, residues 586-606): IQFMCGEDAS[Asn596Asp]AMPVIFGKSS